The following is an entry in ClinVar:

ClinVar aggregate classification (germline): Uncertain significance. Review status: criteria provided, multiple submitters, no conflicts (2 of 4 stars). 2 submissions from 2 submitters: Uncertain significance (2). Last evaluated 2025-07-21.

Allele frequency attached by ClinVar (database versions not stated): gnomAD exomes 0.00001; ExAC 0.00003; 1000 Genomes Project 0.00020; gnomAD 0.00002; 1000 Genomes Project 30x 0.00016; TOPMed below 0.00001.
gnomAD v4.1: 19 of 1,611,404 alleles (0.0012%); highest among the groups gnomAD compares: East Asian, 0.031%; no homozygotes.

Submissions (2):

Labcorp Genetics (formerly Invitae), Labcorp
Classification: Uncertain significance. Last evaluated: 2025-07-21. Review status: criteria provided, single submitter. Criteria: Invitae Variant Classification Sherloc (09022015). Collection method: clinical testing. Allele origin: germline.
Comment: This sequence change replaces serine, which is neutral and polar, with proline, which is neutral and non-polar, at codon 195 of the DLST protein (p.Ser195Pro). This variant is present in population databases (rs555372886, gnomAD 0.03%). This variant has not been reported in the literature in individuals affected with DLST-related conditions. ClinVar contains an entry for this variant (Variation ID: 2564580). Invitae Evidence Modeling of protein sequence and biophysical properties (such as structural, functional, and spatial information, amino acid conservation, physicochemical variation, residue mobility, and thermodynamic stability) indicates that this missense variant is not expected to disrupt DLST protein function with a negative predictive value of 80%. In summary, the available evidence is currently insufficient to determine the role of this variant in disease. Therefore, it has been classified as a Variant of Uncertain Significance.

Ambry Genetics
Classification: Uncertain significance. Last evaluated: 2023-05-24. Review status: criteria provided, single submitter. Criteria: Ambry Variant Classification Scheme 2023. Collection method: clinical testing. Allele origin: germline.

NM_001933.5(DLST):c.583T>C (p.Ser195Pro)

Gene: DLST (dihydrolipoamide S-succinyltransferase; plus strand). Cytogenetic location: 14q24.3.
Variant type: single nucleotide variant.
Coding change: c.583T>C on transcript NM_001933.5 (MANE Select); coding-DNA position 583, T replaced by C.
Protein change: p.Ser195Pro; replaces serine 195 with proline.
Molecular consequence: missense variant. On other transcripts: non-coding transcript variant (2).
Genome position (GRCh38, 1-based): chr14:74,892,974, T>C. VCF-style: chr14-74892974-T-C. GRCh37 (hg19) VCF-style: chr14-75359677-T-C.
Other names: short protein forms S195P.
Identifiers: ClinVar variation 2564580 (VCV002564580.4), dbSNP rs555372886, ClinGen allele CA7273544.